The following is an entry in ClinVar:

ClinVar aggregate classification (germline): Uncertain significance. Review status: criteria provided, multiple submitters, no conflicts (2 of 4 stars). 2 submissions from 2 submitters: Uncertain significance (2). Last evaluated 2023-11-22.

Conditions:
Arrhythmogenic right ventricular dysplasia 11. Also called: ARRHYTHMOGENIC RIGHT VENTRICULAR DYSPLASIA, FAMILIAL, 11; Arrhythmogenic Right Ventricular Dysplasia/Cardiomyopathy11; Arrhythmogenic right ventricular dysplasia 11 with mild palmoplantar keratoderma and woolly hair. Identifiers: MedGen C1864850, MONDO:0012506, OMIM 610476.

Allele frequency attached by ClinVar (database versions not stated): gnomAD exomes below 0.00001.
gnomAD v4.1: 1 of 1,614,116 alleles (0.000062%); highest among the groups gnomAD compares: Non-Finnish European, 0.000085%; no homozygotes.

Submissions (2):

Labcorp Genetics (formerly Invitae), Labcorp
Classification: Uncertain significance for Arrhythmogenic right ventricular dysplasia 11. Last evaluated: 2023-11-22. Review status: criteria provided, single submitter. Criteria: Invitae Variant Classification Sherloc (09022015). Collection method: clinical testing. Allele origin: germline.
Comment: This sequence change replaces methionine, which is neutral and non-polar, with valine, which is neutral and non-polar, at codon 276 of the DSC2 protein (p.Met276Val). This variant is not present in population databases (gnomAD no frequency). This variant has not been reported in the literature in individuals affected with DSC2-related conditions. Advanced modeling of protein sequence and biophysical properties (such as structural, functional, and spatial information, amino acid conservation, physicochemical variation, residue mobility, and thermodynamic stability) performed at Invitae indicates that this missense variant is not expected to disrupt DSC2 protein function with a negative predictive value of 80%. In summary, the available evidence is currently insufficient to determine the role of this variant in disease. Therefore, it has been classified as a Variant of Uncertain Significance.

Clinical Genomics Laboratory, Stanford Medicine
Classification: Uncertain significance for Arrhythmogenic right ventricular dysplasia 11. Last evaluated: 2021-12-10. Review status: criteria provided, single submitter. Criteria: ACMG Guidelines, 2015. Collection method: clinical testing. Allele origin: germline. Observed: 1 variant allele, 1 heterozygote.
Comment: The p.Met276Val variant in the DSC2 gene has not been previously reported in association with disease. This variant was absent from large population databases, including the Genome Aggregation Database. Computational tools predict that this variant does not impact protein function; however, the accuracy of in silico algorithms is limited. These data were assessed using the ACMG/AMP variant interpretation guidelines. In summary, the significance of the p.Met276Val variant is uncertain. Additional information is needed to resolve the significance of this variant. [ACMG evidence codes used: PM2; BP4]

NM_024422.6(DSC2):c.826A>G (p.Met276Val)

Gene: DSC2 (desmocollin 2; minus strand). Cytogenetic location: 18q12.1.
Variant type: single nucleotide variant.
Coding change: c.826A>G on transcript NM_024422.6 (MANE Select); coding-DNA position 826, A replaced by G.
Protein change: p.Met276Val; replaces methionine 276 with valine.
Molecular consequence: missense variant.
Genome position (GRCh38, 1-based): chr18:31,086,692, T>C on the plus strand (A>G on the coding strand, the complement: DSC2 is on the minus strand). VCF-style: chr18-31086692-T-C. GRCh37 (hg19) VCF-style: chr18-28666655-T-C.
Other names: c.826A>G (NM_024422.3); c.397A>G, p.Met133Val (NM_001406506.1, NM_001406507.1); c.826A>G, p.Met276Val (NM_004949.5); short protein forms M276V, M133V.
Identifiers: ClinVar variation 2783092 (VCV002783092.4), dbSNP rs2510951342, ClinGen allele CA402112218.